The following is an entry in ClinVar:

ClinVar aggregate classification (germline): Benign (1 of 4 stars; one submission).

Allele frequency attached by ClinVar (database versions not stated): TOPMed 0.00006; gnomAD 0.00009 and 0.00010; gnomAD exomes 0.00011; ExAC 0.05971.
gnomAD v4.1: 177 of 1,613,676 alleles (0.011%); highest among the groups gnomAD compares: Non-Finnish European, 0.013%; 1 homozygote.

Submission:

Laboratory for Molecular Medicine, Mass General Brigham Personalized Medicine
Classification: Benign. Last evaluated: 2016-03-28. Review status: criteria provided, single submitter. Criteria: LMM Criteria. Collection method: clinical testing. Allele origin: germline.
Comment: Variant identified in a genome or exome case(s) and assessed due to predicted null impact of the variant or pathogenic assertions in the literature or databases. Disclaimer: This variant has not undergone full assessment. The following are preliminary notes: Frequency

NM_001170.3(AQP7):c.640G>A (p.Gly214Arg)

Gene: AQP7 (aquaporin 7; minus strand). Cytogenetic location: 9p13.3.
Variant type: single nucleotide variant.
Coding change: c.640G>A on transcript NM_001170.3 (MANE Select); coding-DNA position 640, G replaced by A.
Protein change: p.Gly214Arg; replaces glycine 214 with arginine.
Molecular consequence: missense variant. On other transcripts: non-coding transcript variant (5).
Genome position (GRCh38, 1-based): chr9:33,385,752, C>T on the plus strand (G>A on the coding strand, the complement: AQP7 is on the minus strand). VCF-style: chr9-33385752-C-T. GRCh37 (hg19) VCF-style: chr9-33385750-C-T.
Other names: c.469G>A, p.Gly157Arg (NM_001318156.2); c.637G>A, p.Gly213Arg (NM_001318157.2); c.640G>A, p.Gly214Arg (NM_001318158.2, NM_001376191.1, NM_001376192.1 and 1 more transcripts); short protein forms G214R, G157R, G213R.
Identifiers: ClinVar variation 402386 (VCV000402386.4), dbSNP rs114484742, ClinGen allele CA5025812.